The following is an entry in ClinVar:

ClinVar aggregate classification (germline): Uncertain significance. Review status: criteria provided, multiple submitters, no conflicts (2 of 4 stars). 4 submissions from 4 submitters: Uncertain significance (4). Last evaluated 2025-11-05.

Conditions:
Emery-Dreifuss muscular dystrophy 5, autosomal dominant (EDMD5). Also called: EMERY-DREIFUSS MUSCULAR DYSTROPHY 5. Identifiers: Orphanet 261, MedGen C2751805, MONDO:0013072, OMIM 612999.

Allele frequency attached by ClinVar (database versions not stated): gnomAD 0.00001; gnomAD exomes 0.00002 and 0.00003; TOPMed 0.00002; ExAC 0.00003.
gnomAD v4.1: 32 of 1,613,832 alleles (0.002%); highest among the groups gnomAD compares: Non-Finnish European, 0.0027%; no homozygotes.

Submissions (4):

Labcorp Genetics (formerly Invitae), Labcorp
Classification: Uncertain significance for Emery-Dreifuss muscular dystrophy 5, autosomal dominant. Last evaluated: 2025-11-05. Review status: criteria provided, single submitter. Criteria: Invitae Variant Classification Sherloc (09022015). Collection method: clinical testing. Allele origin: germline.
Comment: This sequence change replaces glutamic acid, which is acidic and polar, with lysine, which is basic and polar, at codon 3986 of the SYNE2 protein (p.Glu3986Lys). This variant is present in population databases (rs779441612, gnomAD 0.008%). This variant has not been reported in the literature in individuals affected with SYNE2-related conditions. ClinVar contains an entry for this variant (Variation ID: 881681). An algorithm developed to predict the effect of missense changes on protein structure and function (PolyPhen-2) suggests that this variant is likely to be disruptive. In summary, the available evidence is currently insufficient to determine the role of this variant in disease. Therefore, it has been classified as a Variant of Uncertain Significance.

Women's Health and Genetics/Laboratory Corporation of America, LabCorp
Classification: Uncertain significance. Last evaluated: 2024-08-27. Review status: criteria provided, single submitter. Criteria: LabCorp Variant Classification Summary - May 2015. Collection method: clinical testing. Allele origin: germline.
Comment: Variant summary: SYNE2 c.11956G>A (p.Glu3986Lys) results in a conservative amino acid change in the encoded protein sequence. Three of five in-silico tools predict a damaging effect of the variant on protein function. The variant allele was found at a frequency of 3.2e-05 in 250778 control chromosomes. The available data on variant occurrences in the general population are insufficient to allow any conclusion about variant significance. To our knowledge, no occurrence of c.11956G>A in individuals affected with Emery-Dreifuss Muscular Dystrophy 5, Autosomal Dominant and no experimental evidence demonstrating its impact on protein function have been reported. ClinVar contains an entry for this variant (Variation ID: 881681). Based on the evidence outlined above, the variant was classified as uncertain significance.

Revvity Omics, Revvity
Classification: Uncertain significance for Emery-Dreifuss muscular dystrophy 5, autosomal dominant. Last evaluated: 2019-09-09. Review status: criteria provided, single submitter. Criteria: ACMG Guidelines, 2015. Collection method: clinical testing. Allele origin: germline.

Illumina Laboratory Services, Illumina
Classification: Uncertain significance for Emery-Dreifuss muscular dystrophy 5, autosomal dominant. Last evaluated: 2018-01-12. Review status: criteria provided, single submitter. Criteria: ICSL Variant Classification Criteria 13 December 2019. Collection method: clinical testing. Allele origin: germline.

NM_182914.3(SYNE2):c.11956G>A (p.Glu3986Lys)

Gene: SYNE2 (spectrin repeat containing nuclear envelope protein 2; plus strand). Cytogenetic location: 14q23.2.
Variant type: single nucleotide variant.
Coding change: c.11956G>A on transcript NM_182914.3 (MANE Select); coding-DNA position 11956, G replaced by A.
Protein change: p.Glu3986Lys; replaces glutamic acid 3986 with lysine.
Molecular consequence: missense variant.
Genome position (GRCh38, 1-based): chr14:64,091,028, G>A. VCF-style: chr14-64091028-G-A. GRCh37 (hg19) VCF-style: chr14-64557746-G-A.
Other names: c.11956G>A, p.Glu3986Lys (NM_015180.6); short protein forms E3986K.
Identifiers: ClinVar variation 881681 (VCV000881681.10), dbSNP rs779441612, ClinGen allele CA7221957.